The following is an entry in ClinVar:

NM_194277.3(FRMD7):c.326G>A (p.Gly109Glu)

Gene: FRMD7 (FERM domain containing 7; minus strand). Cytogenetic location: Xq26.2.
Variant type: single nucleotide variant.
Coding change: c.326G>A on transcript NM_194277.3 (MANE Select); coding-DNA position 326, G replaced by A.
Protein change: p.Gly109Glu; replaces glycine 109 with glutamic acid.
Molecular consequence: missense variant.
Genome position (GRCh38, 1-based): chrX:132,094,098, C>T on the plus strand (G>A on the coding strand, the complement: FRMD7 is on the minus strand). VCF-style: chrX-132094098-C-T. GRCh37 (hg19) VCF-style: chrX-131228126-C-T.
Other names: c.281G>A, p.Gly94Glu (NM_001306193.2); short protein forms G94E, G109E.
Identifiers: ClinVar variation 3695155 (VCV003695155.2).
Genomic context (GRCh38, chrX:132,094,098, plus strand): 5'-TTACATTGTAAGATGTGAGATACCATCAACGCTGTACAGTTGTCACTGCATGGAAGCCTT[C>T]CTAGAGCCAAATCCTTCTTTATTTGAAGAGTAAAAAGATACCTGCAAAGAAATTGGGGAG-3'
Protein context (NP_919253.1, residues 99-119): TLQIKKDLAL[Gly109Glu]RLPCSDNCTA

ClinVar aggregate classification (germline): Uncertain significance (1 of 4 stars; one submission).

Submission:

Labcorp Genetics (formerly Invitae), Labcorp
Classification: Uncertain significance. Last evaluated: 2024-11-19. Review status: criteria provided, single submitter. Criteria: Invitae Variant Classification Sherloc (09022015). Collection method: clinical testing. Allele origin: germline.
Comment: This sequence change replaces glycine, which is neutral and non-polar, with glutamic acid, which is acidic and polar, at codon 109 of the FRMD7 protein (p.Gly109Glu). This variant is not present in population databases (gnomAD no frequency). This variant has not been reported in the literature in individuals affected with FRMD7-related conditions. An algorithm developed to predict the effect of missense changes on protein structure and function (PolyPhen-2) suggests that this variant is likely to be disruptive. In summary, the available evidence is currently insufficient to determine the role of this variant in disease. Therefore, it has been classified as a Variant of Uncertain Significance.